The following is an entry in ClinVar:

ClinVar aggregate classification (germline): Pathogenic. Review status: criteria provided, multiple submitters, no conflicts (2 of 4 stars). 2 submissions from 2 submitters: Pathogenic (2). Last evaluated 2026-05-25.

Conditions:
Drash syndrome (DDS). Also called: NEPHROPATHY, WILMS TUMOR, AND GENITAL ANOMALIES; WILMS TUMOR AND PSEUDO- OR TRUE HERMAPHRODITISM. Identifiers: Orphanet 220, MedGen C0950121, MONDO:0008682, OMIM 194080.
Wilms tumor 1 (WT1). Also called: Wilms tumor, somatic. Identifiers: Orphanet 654, MedGen CN033288, MONDO:0008679, OMIM 194070.
11p partial monosomy syndrome (WAGR). Also called: CHROMOSOME 11p13 DELETION SYNDROME; WAGR Spectrum Disorder; WAGR syndrome; WAGR Complex. Identifiers: Orphanet 893, MedGen C0206115, MONDO:0008681, OMIM 194072.
Frasier syndrome. Identifiers: Orphanet 347, MedGen C0950122, MeSH D052159, MONDO:0007635, OMIM 136680.
Nephrotic syndrome, type 4 (NPHS4). Also called: Familial mesangial sclerosis; Nephrotic syndrome, early onset with diffuse mesangial sclerosis. Identifiers: Orphanet 656, MedGen C3151568, MONDO:0009733, OMIM 256370.

Submissions (2):

Victorian Clinical Genetics Services, Murdoch Childrens Research Institute
Classification: Pathogenic for Nephrotic syndrome, type 4. Last evaluated: 2026-05-25. Review status: criteria provided, single submitter. Criteria: ACMG Guidelines, 2015. Collection method: clinical testing. Allele origin: germline. Affected: yes.
Comment: This variant is classified as Pathogenic. Evidence in support of pathogenic classification: Splice site variant proven to affect splicing of the transcript with uncertain effect on protein sequence. A minigene assay and RT-PCR assay showed this variant caused aberrant splicing, leading to absence of the lysine, threonine and serine (KTS) containing isoform and therefore an imbalance of the KTS+ to KTS- isoform ratio. Disruption of the KTS +/- ratio has been associated with Frasier syndrome (PMIDs: 37850022, 9475094); Variant is absent from gnomAD (v2, v3 and v4); This variant has moderate previous evidence of pathogenicity in unrelated individuals. This variant has been classified as pathogenic by a clinical laboratory in ClinVar. Other splice region variants comparable to the one identified in this case have strong previous evidence for pathogenicity. The c.1447+1G>A, c.1447+4C>T and c.1447+5G>A variants have been classified as pathogenic in individuals with Frasier syndrome (VCGS internal cohort). Additionally, the c.1447+4C>T and c.1447+5G>A variants have been classified as likely pathogenic/pathogenic by many clinical laboratories in ClinVar. Additional information: This variant is heterozygous; This gene is associated with autosomal dominant disease; No published evidence of segregation with disease has been identified for this variant; Dominant negative is a known mechanism of disease in this gene and is associated with Denys-Drash syndrome (MIM#194080); Frasier syndrome (MIM#136680); Meacham syndrome (MIM#608978) and nephrotic syndrome, type 4 (MIM#256370). ClinGen has lumped the congenital malformation syndromes associated with the WT1 gene into the MONDO term, Denys-Drash syndrome (MONDO:0008682). Missense variants in exons 8 and 9 are associated with congenital nephrotic syndrome and disorders of sex development (PMID: 32352694). Loss of function is also a known mechanism of disease in this gene and is associated with Wilms tumour, type 1 (MIM#194070); Inheritance information for this variant is not currently available in this individual.

Labcorp Genetics (formerly Invitae), Labcorp
Classification: Pathogenic for Wilms tumor 1; Drash syndrome; 11p partial monosomy syndrome; Frasier syndrome. Last evaluated: 2024-02-23. Review status: criteria provided, single submitter. Criteria: Invitae Variant Classification Sherloc (09022015). Collection method: clinical testing. Allele origin: germline.
Comment: This sequence change affects a donor splice site in intron 9 of the WT1 gene. RNA analysis indicates that disruption of this splice site induces altered splicing and likely results in the loss of 3 amino acid residue(s), but is expected to preserve the integrity of the reading-frame. This variant is not present in population databases (gnomAD no frequency). Disruption of this splice site has been observed in individual(s) with WT1-related conditions (PMID: 9475094, 16717397, 33565430; Invitae). In at least one individual the variant was observed to be de novo. ClinVar contains an entry for this variant (Variation ID: 947309). Variants that disrupt the consensus splice site are a relatively common cause of aberrant splicing (PMID: 17576681, 9536098). Studies have shown that disruption of this splice site results in the activation of a cryptic splice site in intron 9 (PMID: 9475094). For these reasons, this variant has been classified as Pathogenic.

Literature cited by the submitters: PubMed 33565430 (cited by Victorian Clinical Genetics Services, Murdoch Childrens Research Institute and Labcorp Genetics (formerly Invitae), Labcorp); PubMed 32352694 (cited by Victorian Clinical Genetics Services, Murdoch Childrens Research Institute); PubMed 9475094 (cited by Victorian Clinical Genetics Services, Murdoch Childrens Research Institute and Labcorp Genetics (formerly Invitae), Labcorp); PubMed 37850022 (cited by Victorian Clinical Genetics Services, Murdoch Childrens Research Institute); PubMed 16717397 (cited by Labcorp Genetics (formerly Invitae), Labcorp); PubMed 17576681 (cited by Labcorp Genetics (formerly Invitae), Labcorp); PubMed 9536098 (cited by Labcorp Genetics (formerly Invitae), Labcorp).

NM_024426.6(WT1):c.1447+2T>C

Gene: WT1 (WT1 transcription factor; minus strand). Cytogenetic location: 11p13.
Variant type: single nucleotide variant.
Coding change: c.1447+2T>C on transcript NM_024426.6 (MANE Select); the canonical splice donor site of the intron after coding-DNA position 1447, T replaced by C.
Molecular consequence: splice donor variant. On other transcripts: intron variant (7).
Genome position (GRCh38, 1-based): chr11:32,391,970, A>G on the plus strand (T>C on the coding strand, the complement: WT1 is on the minus strand). VCF-style: chr11-32391970-A-G. GRCh37 (hg19) VCF-style: chr11-32413516-A-G.
Other names: c.1273+2T>C (NM_001407050.1); c.1315+11T>C (NM_001407047.1); c.1306+2T>C (NM_001407048.1); c.1303+696T>C (NM_001407049.1); c.1387+11T>C (NM_000378.6); c.1396+2T>C (NM_001407045.1); c.1432+11T>C (NM_001407044.1); c.1354+696T>C (NM_001407046.1); and 5 more.
Identifiers: ClinVar variation 947309 (VCV000947309.10), dbSNP rs1851829439, ClinGen allele CA379958638.